The following is an entry in ClinVar:

ClinVar aggregate classification (germline): Uncertain significance (1 of 4 stars; one submission).

Submission:

Labcorp Genetics (formerly Invitae), Labcorp
Classification: Uncertain significance. Last evaluated: 2021-08-05. Review status: criteria provided, single submitter. Criteria: Invitae Variant Classification Sherloc (09022015). Collection method: clinical testing. Allele origin: germline.
Comment: This variant results in a copy number gain of the genomic region encompassing exon(s) 20-28 of the PNPT1 gene. This region includes the termination codon of the gene. This copy number gain extends beyond the assayed region for this gene and therefore may encompass additional genes. As the precise location of this event is unknown, it may be in tandem or it may be located elsewhere in the genome. This variant has not been reported in the literature in individuals affected with PNPT1-related conditions. Experimental studies and prediction algorithms are not available or were not evaluated, and the functional significance of this variant is currently unknown. In summary, the available evidence is currently insufficient to determine the role of this variant in disease. Therefore, it has been classified as a Variant of Uncertain Significance.

NC_000002.11:g.(?_55863372)_(55873641_?)dup

Gene: PNPT1 (polyribonucleotide nucleotidyltransferase 1; minus strand). Cytogenetic location: 2p16.1.
Variant type: Duplication.
Identifiers: ClinVar variation 1412629 (VCV001412629.3).